The following is an entry in ClinVar:

ClinVar aggregate classification (germline): Uncertain significance. Review status: criteria provided, multiple submitters, no conflicts (2 of 4 stars). 2 submissions from 2 submitters: Uncertain significance (2). Last evaluated 2024-11-04.

Conditions:
Autosomal recessive limb-girdle muscular dystrophy type 2P. Also called: Limb-Girdle Muscular Dystrophy Type 9C; MUSCULAR DYSTROPHY, LIMB-GIRDLE, TYPE 2P; MUSCULAR DYSTROPHY-DYSTROGLYCANOPATHY, LIMB-GIRDLE, DAG1-RELATED. Identifiers: Orphanet 280333, MedGen C4511963, MONDO:0013440, OMIM 613818.
Muscular dystrophy-dystroglycanopathy (congenital with brain and eye anomalies), type A9. Also called: WALKER-WARBURG SYNDROME OR MUSCLE-EYE BRAIN DISEASE, DAG1-RELATED; Muscular dystrophy-dystroglycanopathy (congenital with brain and eye anomalies), type a, 9. Identifiers: Orphanet 370997, Orphanet 899, MedGen C4225291, MONDO:0014683, OMIM 616538.

Allele frequency attached by ClinVar (database versions not stated): ExAC 0.00001; gnomAD 0.00001; TOPMed 0.00001; gnomAD exomes 0.00002.
gnomAD v4.1: 25 of 1,614,042 alleles (0.0015%); highest among the groups gnomAD compares: Non-Finnish European, 0.0019%; no homozygotes.

Submissions (2):

Labcorp Genetics (formerly Invitae), Labcorp
Classification: Uncertain significance for Autosomal recessive limb-girdle muscular dystrophy type 2P; Muscular dystrophy-dystroglycanopathy (congenital with brain and eye anomalies), type A9. Last evaluated: 2024-11-04. Review status: criteria provided, single submitter. Criteria: Invitae Variant Classification Sherloc (09022015). Collection method: clinical testing. Allele origin: germline.
Comment: This sequence change replaces arginine, which is basic and polar, with tryptophan, which is neutral and slightly polar, at codon 461 of the DAG1 protein (p.Arg461Trp). This variant is present in population databases (rs747566297, gnomAD 0.002%). This variant has not been reported in the literature in individuals affected with DAG1-related conditions. ClinVar contains an entry for this variant (Variation ID: 2044484). Invitae Evidence Modeling of protein sequence and biophysical properties (such as structural, functional, and spatial information, amino acid conservation, physicochemical variation, residue mobility, and thermodynamic stability) indicates that this missense variant is not expected to disrupt DAG1 protein function with a negative predictive value of 80%. In summary, the available evidence is currently insufficient to determine the role of this variant in disease. Therefore, it has been classified as a Variant of Uncertain Significance.

Revvity Omics, Revvity
Classification: Uncertain significance. Last evaluated: 2021-12-17. Review status: criteria provided, single submitter. Criteria: ACMG Guidelines, 2015. Collection method: clinical testing. Allele origin: germline.

NM_004393.6(DAG1):c.1381C>T (p.Arg461Trp)

Gene: DAG1 (dystroglycan 1; plus strand). Cytogenetic location: 3p21.31.
Variant type: single nucleotide variant.
Coding change: c.1381C>T on transcript NM_004393.6 (MANE Select); coding-DNA position 1381, C replaced by T.
Protein change: p.Arg461Trp; replaces arginine 461 with tryptophan.
Molecular consequence: missense variant.
Genome position (GRCh38, 1-based): chr3:49,531,892, C>T. VCF-style: chr3-49531892-C-T. GRCh37 (hg19) VCF-style: chr3-49569325-C-T.
Other names: c.1381C>T, p.Arg461Trp (NM_001165928.4, NM_001177634.3, NM_001177635.3 and 9 more transcripts); short protein forms R461W.
Identifiers: ClinVar variation 2044484 (VCV002044484.5), dbSNP rs747566297, ClinGen allele CA2399071.